The following is an entry in ClinVar:

ClinVar aggregate classification (germline): Likely benign (0 of 4 stars; one submission).

Conditions:
EPPK1-related disorder. Also called: EPPK1-related condition.

Allele frequency attached by ClinVar (database versions not stated): TOPMed 0.00012; gnomAD 0.00018; 1000 Genomes Project 0.00020; 1000 Genomes Project 30x 0.00047.
gnomAD v4.1: 102 of 1,603,706 alleles (0.0064%); highest among the groups gnomAD compares: East Asian, 0.047%; 1 homozygote.

Submission:

PreventionGenetics, part of Exact Sciences
Classification: Likely benign for EPPK1-related condition. Last evaluated: 2021-05-25. Review status: no assertion criteria provided. Collection method: clinical testing. Allele origin: germline.
Comment: This variant is classified as likely benign based on ACMG/AMP sequence variant interpretation guidelines (Richards et al. 2015 PMID: 25741868, with internal and published modifications).

NM_031308.4(EPPK1):c.717C>T (p.Gly239=)

Gene: EPPK1 (epiplakin 1; minus strand). Cytogenetic location: 8q24.3.
Variant type: single nucleotide variant.
Coding change: c.717C>T on transcript NM_031308.4 (MANE Select); coding-DNA position 717, C replaced by T.
Protein change: p.Gly239=; no amino-acid change (glycine 239 retained).
Molecular consequence: synonymous variant.
Genome position (GRCh38, 1-based): chr8:143,872,537, G>A on the plus strand (C>T on the coding strand, the complement: EPPK1 is on the minus strand). VCF-style: chr8-143872537-G-A. GRCh37 (hg19) VCF-style: chr8-144946705-G-A.
Identifiers: ClinVar variation 3054754 (VCV003054754.2), dbSNP rs571952678, ClinGen allele CA4923552.